The following is an entry in ClinVar:

NM_207305.5(FOXD4):c.113AGG[2] (p.Glu40del)

Gene: FOXD4 (forkhead box D4; minus strand). Cytogenetic location: 9p24.3.
Variant type: Microsatellite.
Coding change: c.113AGG[2] on transcript NM_207305.5 (MANE Select); two copies in a row of the 3-base unit AGG starting at c.113; the reference has three copies in a row; one copy, 3 bases deleted.
Protein change: p.Glu40del; deletes glutamic acid 40.
Molecular consequence: inframe deletion.
Genome position (GRCh38, 1-based): chr9:117,999-118,001, CCT deleted on the plus strand (AGG on the coding strand, the reverse complement: FOXD4 is on the minus strand); deleting any 3 consecutive bases within chr9:117,999-118,008 gives the same sequence; the position shown is the placement nearest the transcript's 3' end. VCF-style (leftmost placement, unchanged base first): chr9-117998-GCCT-G. GRCh37 (hg19) VCF-style: chr9-117998-GCCT-G.
Other names: short protein forms E40del.
Identifiers: ClinVar variation 3239058 (VCV003239058.20), dbSNP rs760889456.

ClinVar aggregate classification (germline): Conflicting classifications of pathogenicity. Review status: criteria provided, conflicting classifications (1 of 4 stars). 2 submissions from 2 submitters: Uncertain significance (1); Likely benign (1). Last evaluated 2024-10-08.

Submissions (2):

Blueprint Genetics
Classification: Likely benign. Last evaluated: 2024-10-08. Review status: criteria provided, single submitter. Criteria: ACMG Guidelines, 2015. Collection method: clinical testing. Allele origin: germline.

CeGaT Center for Human Genetics Tuebingen
Classification: Uncertain significance. Last evaluated: 2024-05-01. Review status: criteria provided, single submitter. Criteria: CeGaT Center For Human Genetics Tuebingen Variant Classification Criteria Version 2. Collection method: clinical testing. Allele origin: germline. Affected: yes. Observed: 1 variant allele.
Comment: FOXD4: PM4:Supporting